The following is an entry in ClinVar:

NM_005235.3(ERBB4):c.1171G>A (p.Val391Ile)

Gene: ERBB4 (erb-b2 receptor tyrosine kinase 4; minus strand). Cytogenetic location: 2q34.
Variant type: single nucleotide variant.
Coding change: c.1171G>A on transcript NM_005235.3 (MANE Select); coding-DNA position 1171, G replaced by A.
Protein change: p.Val391Ile; replaces valine 391 with isoleucine.
Molecular consequence: missense variant.
Genome position (GRCh38, 1-based): chr2:211,705,345, C>T on the plus strand (G>A on the coding strand, the complement: ERBB4 is on the minus strand). VCF-style: chr2-211705345-C-T. GRCh37 (hg19) VCF-style: chr2-212570070-C-T.
Other names: c.1171G>A, p.Val391Ile (NM_001042599.2); short protein forms V391I.
Identifiers: ClinVar variation 2984712 (VCV002984712.1), dbSNP rs745408040, ClinGen allele CA2088210.
Genomic context (GRCh38, chr2:211,705,345, plus strand): 5'-TCATAGCGCAACAGTTGCAGTTTAAAAAATTACCTGTTATCTCTCTGACTGTCCGAAAGA[C>T]GTTCAGTTTCTCTGGGTCTATGGCTTCAATTGCATTGTAAGGGTCCCTAGAAAATCAAGA-3'
Protein context (NP_005226.1, residues 381-401): IEAIDPEKLN[Val391Ile]FRTVREITGF

ClinVar aggregate classification (germline): Uncertain significance (1 of 4 stars; one submission).

Allele frequency attached by ClinVar (database versions not stated): gnomAD 0.00001; TOPMed 0.00001.
gnomAD v4.1: 15 of 1,612,812 alleles (0.00093%); highest among the groups gnomAD compares: Admixed American, 0.0033%; no homozygotes.

Submission:

Labcorp Genetics (formerly Invitae), Labcorp
Classification: Uncertain significance. Last evaluated: 2023-10-04. Review status: criteria provided, single submitter. Criteria: Invitae Variant Classification Sherloc (09022015). Collection method: clinical testing. Allele origin: germline.
Comment: This sequence change replaces valine, which is neutral and non-polar, with isoleucine, which is neutral and non-polar, at codon 391 of the ERBB4 protein (p.Val391Ile). This variant is present in population databases (rs745408040, gnomAD 0.006%). This variant has not been reported in the literature in individuals affected with ERBB4-related conditions. Algorithms developed to predict the effect of missense changes on protein structure and function output the following: SIFT: "Not Available"; PolyPhen-2: "Benign"; Align-GVGD: "Not Available". The isoleucine amino acid residue is found in multiple mammalian species, which suggests that this missense change does not adversely affect protein function. In summary, the available evidence is currently insufficient to determine the role of this variant in disease. Therefore, it has been classified as a Variant of Uncertain Significance.